The following is an entry in ClinVar:

NM_173689.7(CRB2):c.1038C>G (p.Cys346Trp)

Gene: CRB2 (crumbs cell polarity complex component 2; plus strand). Cytogenetic location: 9q33.3.
Variant type: single nucleotide variant.
Coding change: c.1038C>G on transcript NM_173689.7 (MANE Select); coding-DNA position 1038, C replaced by G.
Protein change: p.Cys346Trp; replaces cysteine 346 with tryptophan.
Molecular consequence: missense variant.
Genome position (GRCh38, 1-based): chr9:123,367,670, C>G. VCF-style: chr9-123367670-C-G. GRCh37 (hg19) VCF-style: chr9-126129949-C-G.
Other names: c.1038C>G (NM_173689.5); short protein forms C346W.
Identifiers: ClinVar variation 1522428 (VCV001522428.9), dbSNP rs1199981155, ClinGen allele CA374860340.

ClinVar aggregate classification (germline): Uncertain significance. Review status: criteria provided, multiple submitters, no conflicts (2 of 4 stars). 2 submissions from 2 submitters: Uncertain significance (2). Last evaluated 2025-11-02.

Conditions:
Inborn genetic diseases. Identifiers: MedGen C0950123, MeSH D030342.

Allele frequency attached by ClinVar (database versions not stated): TOPMed below 0.00001; gnomAD 0.00001; gnomAD exomes 0.00002.
gnomAD v4.1: 3 of 1,561,590 alleles (0.00019%); highest among the groups gnomAD compares: East Asian, 0.0072%; no homozygotes.

Submissions (2):

Ambry Genetics
Classification: Uncertain significance for Inborn genetic diseases. Last evaluated: 2025-11-02. Review status: criteria provided, single submitter. Criteria: Ambry Variant Classification Scheme 2023. Collection method: clinical testing. Allele origin: germline.

Labcorp Genetics (formerly Invitae), Labcorp
Classification: Uncertain significance. Last evaluated: 2021-06-02. Review status: criteria provided, single submitter. Criteria: Invitae Variant Classification Sherloc (09022015). Collection method: clinical testing. Allele origin: germline.
Comment: This sequence change replaces cysteine with tryptophan at codon 346 of the CRB2 protein (p.Cys346Trp). The cysteine residue is highly conserved and there is a large physicochemical difference between cysteine and tryptophan. This variant is not present in population databases (ExAC no frequency). This variant has not been reported in the literature in individuals with CRB2-related conditions. Advanced modeling of protein sequence and biophysical properties (such as structural, functional, and spatial information, amino acid conservation, physicochemical variation, residue mobility, and thermodynamic stability) performed at Invitae indicates that this missense variant is expected to disrupt CRB2 protein function. In summary, the available evidence is currently insufficient to determine the role of this variant in disease. Therefore, it has been classified as a Variant of Uncertain Significance.